The following is an entry in ClinVar:

ClinVar aggregate classification (germline): Benign/Likely benign. Review status: criteria provided, multiple submitters, no conflicts (2 of 4 stars). 10 submissions from 10 submitters: Benign (3); Likely benign (4). 3 of the submissions do not count toward it. Last evaluated 2026-03-01.

Conditions:
ADGRV1-related disorder. Also called: ADGRV1-related condition; ADGRV1-related disorders.
Usher syndrome type 2C. Also called: Usher syndrome, type 2B; USHER SYNDROME, TYPE IIC. Identifiers: Orphanet 231178, Orphanet 886, MedGen C2931213, MONDO:0011558, OMIM 605472.

Allele frequency attached by ClinVar (database versions not stated): gnomAD exomes 0.00020 and 0.00054; ExAC 0.00078; gnomAD 0.00194 and 0.00205; ESP Exome Variant Server 0.00211; TOPMed 0.00242; 1000 Genomes Project 0.00260; 1000 Genomes Project 30x 0.00265.
gnomAD v4.1: 589 of 1,600,762 alleles (0.037%); highest among the groups gnomAD compares: African/African-American, 0.7%; 2 homozygotes.

Submissions (10):

CeGaT Center for Human Genetics Tuebingen
Classification: Likely benign. Last evaluated: 2026-03-01. Review status: criteria provided, single submitter. Criteria: CeGaT Center For Human Genetics Tuebingen Variant Classification Criteria Version 2. Collection method: clinical testing. Allele origin: germline. Affected: yes. Observed: 1 variant allele.
Comment: ADGRV1: BP4, BP7

Labcorp Genetics (formerly Invitae), Labcorp
Classification: Benign. Last evaluated: 2026-01-28. Review status: criteria provided, single submitter. Criteria: Invitae Variant Classification Sherloc (09022015). Collection method: clinical testing. Allele origin: germline.

Illumina Laboratory Services, Illumina
Classification: Benign for Usher syndrome type 2C. Last evaluated: 2025-04-08. Review status: criteria provided, single submitter. Criteria: ICSLVariantClassificationCriteria RUGD 01 April 2020. Collection method: clinical testing. Allele origin: unknown.

Blueprint Genetics
Classification: Likely benign. Last evaluated: 2024-11-12. Review status: criteria provided, single submitter. Criteria: ACMG Guidelines, 2015. Collection method: clinical testing. Allele origin: germline.

GeneDx
Classification: Benign. Last evaluated: 2019-09-10. Review status: criteria provided, single submitter. Criteria: GeneDx Variant Classification Process June 2021. Collection method: clinical testing. Allele origin: germline. Affected: yes.

Eurofins Ntd Llc (ga)
Classification: Likely benign. Last evaluated: 2014-09-03. Review status: criteria provided, single submitter. Criteria: EGL Classification Definitions 2015. Collection method: clinical testing. Allele origin: germline. Observed: 1 variant allele, 1 heterozygote.

Laboratory for Molecular Medicine, Mass General Brigham Personalized Medicine
Classification: Likely benign. Last evaluated: 2012-04-30. Review status: criteria provided, single submitter. Criteria: LMM Criteria. Collection method: clinical testing. Allele origin: germline. Observed: 3 variant alleles.
Comment: p.Val3856Val in exon 55 of GPR98: This variant is not expected to have clinical significance because it does not alter an amino acid residue, is not located wit hin the splice consensus sequence, and has been identified in 0.6% (17/2990) of African American chromosomes by the NHLBI Exome Sequencing Project (s.; dbSNP rs143004930).

PreventionGenetics, part of Exact Sciences
Classification: Benign for ADGRV1-related condition. Last evaluated: 2019-11-06. Review status: no assertion criteria provided. Collection method: clinical testing. Allele origin: germline. Not counted in ClinVar's aggregate classification.
Comment: This variant is classified as benign based on ACMG/AMP sequence variant interpretation guidelines (Richards et al. 2015 PMID: 25741868, with internal and published modifications).

Clinical Genetics DNA and cytogenetics Diagnostics Lab, Erasmus MC, Erasmus Medical Center
Classification: Likely benign. Review status: no assertion criteria provided. Collection method: clinical testing. Allele origin: germline. Affected: yes. Study: VKGL Data-share Consensus. Not counted in ClinVar's aggregate classification.

Clinical Genetics, Academic Medical Center
Classification: Benign. Review status: no assertion criteria provided. Collection method: clinical testing. Allele origin: germline. Affected: yes. Study: VKGL Data-share Consensus. Not counted in ClinVar's aggregate classification.

NM_032119.4(ADGRV1):c.11568T>C (p.Val3856=)

Gene: ADGRV1 (adhesion G protein-coupled receptor V1; plus strand). Cytogenetic location: 5q14.3.
Variant type: single nucleotide variant.
Coding change: c.11568T>C on transcript NM_032119.4 (MANE Select); coding-DNA position 11568, T replaced by C.
Protein change: p.Val3856=; no amino-acid change (valine 3856 retained).
Molecular consequence: synonymous variant. On other transcripts: non-coding transcript variant (1).
Genome position (GRCh38, 1-based): chr5:90,755,173, T>C. VCF-style: chr5-90755173-T-C. GRCh37 (hg19) VCF-style: chr5-90050990-T-C.
Identifiers: ClinVar variation 178364 (VCV000178364.33), dbSNP rs143004930, ClinGen allele CA182187.
Genomic context (GRCh38, chr5:90,755,173, plus strand): 5'-TGTATTGCAAGAAACAATAATAATAATGAAAGAAAACATAAAAGAAGCTCATGCCGAAGT[T>C]TCCATTTTGCCGGTAAGTCAAGGCTGCAAAGAATGTGATCTAAAATAGAGGAAAATTCTC-3'
Protein context (NP_115495.3, residues 3846-3866): KENIKEAHAE[Val3856=]SILPDDLPEL